The following is an entry in ClinVar:

NM_006030.4(CACNA2D2):c.1066T>C (p.Phe356Leu)

Gene: CACNA2D2 (calcium voltage-gated channel auxiliary subunit alpha2delta 2; minus strand). Cytogenetic location: 3p21.31.
Variant type: single nucleotide variant.
Coding change: c.1066T>C on transcript NM_006030.4 (MANE Select); coding-DNA position 1066, T replaced by C.
Protein change: p.Phe356Leu; replaces phenylalanine 356 with leucine.
Molecular consequence: missense variant.
Genome position (GRCh38, 1-based): chr3:50,379,518, A>G on the plus strand (T>C on the coding strand, the complement: CACNA2D2 is on the minus strand). VCF-style: chr3-50379518-A-G. GRCh37 (hg19) VCF-style: chr3-50416949-A-G.
Other names: c.1066T>C, p.Phe356Leu (NM_001005505.3, NM_001174051.3); c.859T>C, p.Phe287Leu (NM_001291101.1); short protein forms F356L, F287L.
Identifiers: ClinVar variation 461294 (VCV000461294.4), dbSNP rs1324633313, ClinGen allele CA352936123.

ClinVar aggregate classification (germline): Uncertain significance (1 of 4 stars; one submission).

Conditions:
Early-infantile DEE. Also called: Early infantile epileptic encephalopathy; Early infantile epileptic encephalopathy with suppression bursts; Ohtahara syndrome. Identifiers: Orphanet 1934, MedGen C0393706, MONDO:0800491.

Allele frequency attached by ClinVar (database versions not stated): gnomAD exomes below 0.00001 and 0.00001; TOPMed 0.00001.
gnomAD v4.1: 10 of 1,613,932 alleles (0.00062%); highest among the groups gnomAD compares: Non-Finnish European, 0.00051%; no homozygotes.

Submission:

Labcorp Genetics (formerly Invitae), Labcorp
Classification: Uncertain significance for Early-infantile DEE. Last evaluated: 2017-05-06. Review status: criteria provided, single submitter. Criteria: Invitae Variant Classification Sherloc (09022015). Collection method: clinical testing. Allele origin: germline.
Comment: In summary, this variant is a novel missense change that is not predicted to affect protein function. There is no indication that it causes disease, but the available evidence is currently insufficient to prove that conclusively. Therefore, it has been classified as a Variant of Uncertain Significance. Algorithms developed to predict the effect of missense changes on protein structure and function (SIFT, PolyPhen-2, Align-GVGD) all suggest that this variant is likely to be tolerated, but these predictions have not been confirmed by published functional studies. This variant is not present in population databases (ExAC no frequency) and has not been reported in the literature in individuals with a CACNA2D2-related disease. This sequence change replaces phenylalanine with leucine at codon 356 of the CACNA2D2 protein (p.Phe356Leu). The phenylalanine residue is moderately conserved and there is a small physicochemical difference between phenylalanine and leucine.